The following is an entry in ClinVar:

ClinVar aggregate classification (germline): Uncertain significance (1 of 4 stars; one submission).

Allele frequency attached by ClinVar (database versions not stated): gnomAD exomes below 0.00001.
gnomAD v4.1: 1 of 1,614,180 alleles (0.000062%); highest among the groups gnomAD compares: Non-Finnish European, 0.000085%; no homozygotes.

Submission:

Labcorp Genetics (formerly Invitae), Labcorp
Classification: Uncertain significance. Last evaluated: 2022-10-05. Review status: criteria provided, single submitter. Criteria: Invitae Variant Classification Sherloc (09022015). Collection method: clinical testing. Allele origin: germline.
Comment: Algorithms developed to predict the effect of missense changes on protein structure and function (SIFT, PolyPhen-2, Align-GVGD) all suggest that this variant is likely to be tolerated. In summary, the available evidence is currently insufficient to determine the role of this variant in disease. Therefore, it has been classified as a Variant of Uncertain Significance. This variant has not been reported in the literature in individuals affected with MYLK3-related conditions. This sequence change replaces leucine, which is neutral and non-polar, with methionine, which is neutral and non-polar, at codon 278 of the MYLK3 protein (p.Leu278Met). This variant is not present in population databases (gnomAD no frequency).

NM_182493.3(MYLK3):c.832C>A (p.Leu278Met)

Gene: MYLK3 (myosin light chain kinase 3; minus strand). Cytogenetic location: 16q11.2.
Variant type: single nucleotide variant.
Coding change: c.832C>A on transcript NM_182493.3 (MANE Select); coding-DNA position 832, C replaced by A.
Protein change: p.Leu278Met; replaces leucine 278 with methionine.
Molecular consequence: missense variant. On other transcripts: intron variant (1).
Genome position (GRCh38, 1-based): chr16:46,737,880, G>T on the plus strand (C>A on the coding strand, the complement: MYLK3 is on the minus strand). VCF-style: chr16-46737880-G-T. GRCh37 (hg19) VCF-style: chr16-46771792-G-T.
Other names: c.-23+2177C>A (NM_001308301.1); short protein forms L278M.
Identifiers: ClinVar variation 1900674 (VCV001900674.5), dbSNP rs1966877796, ClinGen allele CA395794140.